The following is an entry in ClinVar:

ClinVar aggregate classification (germline): Uncertain significance (1 of 4 stars; one submission).

Conditions:
EPILEPSY, CHILDHOOD ABSENCE, SUSCEPTIBILITY TO, 2 (ECA2). Identifiers: Orphanet 64280, MedGen C1843244, OMIM 607681.
Febrile seizures, familial, 8 (FEB8). Also called: CONVULSIONS, FAMILIAL FEBRILE, 8. Identifiers: Orphanet 36387, MedGen C1969810, MONDO:0011891, OMIM 607681.

Submission:

Labcorp Genetics (formerly Invitae), Labcorp
Classification: Uncertain significance for Febrile seizures, familial, 8; EPILEPSY, CHILDHOOD ABSENCE, SUSCEPTIBILITY TO, 2. Last evaluated: 2025-12-16. Review status: criteria provided, single submitter. Criteria: Invitae Variant Classification Sherloc (09022015). Collection method: clinical testing. Allele origin: germline.
Comment: This variant, c.132_134del, results in the deletion of 1 amino acid(s) of the GABRG2 protein (p.Asp45del), but otherwise preserves the integrity of the reading frame. This variant is present in population databases (rs769160013, gnomAD 0.003%). This variant has not been reported in the literature in individuals affected with GABRG2-related conditions. ClinVar contains an entry for this variant (Variation ID: 936246). Experimental studies and prediction algorithms are not available or were not evaluated, and the functional significance of this variant is currently unknown. In summary, the available evidence is currently insufficient to determine the role of this variant in disease. Therefore, it has been classified as a Variant of Uncertain Significance.

NM_198904.4(GABRG2):c.126TGA[2] (p.Asp45del)

Gene: GABRG2 (gamma-aminobutyric acid type A receptor subunit gamma2; plus strand). Cytogenetic location: 5q34.
Variant type: Microsatellite.
Coding change: c.126TGA[2] on transcript NM_198904.4 (MANE Select); two copies in a row of the 3-base unit TGA starting at c.126; the reference has three copies in a row; one copy, 3 bases deleted.
Protein change: p.Asp45del; deletes aspartic acid 45.
Molecular consequence: inframe deletion. On other transcripts: 5 prime UTR variant (3).
Genome position (GRCh38, 1-based): chr5:162,093,852-162,093,854, TGA deleted; deleting any 3 consecutive bases within chr5:162,093,846-162,093,854 gives the same sequence; the position shown is the placement nearest the transcript's 3' end. VCF-style (leftmost placement, unchanged base first): chr5-162093845-CTGA-C. GRCh37 (hg19) VCF-style: chr5-161520851-CTGA-C.
Other names: c.126TGA[2], p.Asp45del (NM_000816.3, NM_001375340.1, NM_001375341.1 and 4 more transcripts); c.117TGA[2], p.Asp42del (NM_001375339.1); c.60TGA[2], p.Asp23del (NM_001375345.1, NM_001375346.1); c.39TGA[2], p.Asp16del (NM_001375347.1); c.-233TGA[2] (NM_001375348.1, NM_001375350.1); c.-160TGA[2] (NM_001375349.1); c.132_134del (NM_000816.3); short protein forms D23del, D45del, D16del, D42del.
Identifiers: ClinVar variation 936246 (VCV000936246.10), dbSNP rs769160013, ClinGen allele CA3544673.
Genomic context (GRCh38, chr5:162,093,845, plus strand): 5'-GTGTGTAATCTATGTGTTTTTTGACCAATATGTTTTTTCTTAGCTTCACTAGCCAGAAAT[CTGA>C]TGATGACTATGAAGATTATGCTTCTAACAAAACATGGGTCTTGACTCCAAAAGTTCCTGA-3'